The following is an entry in ClinVar:

ClinVar aggregate classification (germline): Likely benign (0 of 4 stars; one submission).

Conditions:
CILP-related disorder. Also called: CILP-related condition.

Allele frequency attached by ClinVar (database versions not stated): ESP Exome Variant Server 0.00062.
gnomAD v4.1: 705 of 1,614,100 alleles (0.044%); highest among the groups gnomAD compares: Non-Finnish European, 0.056%; no homozygotes.

Submission:

PreventionGenetics, part of Exact Sciences
Classification: Likely benign for CILP-related condition. Last evaluated: 2019-04-08. Review status: no assertion criteria provided. Collection method: clinical testing. Allele origin: germline.
Comment: This variant is classified as likely benign based on ACMG/AMP sequence variant interpretation guidelines (Richards et al. 2015 PMID: 25741868, with internal and published modifications).

NM_003613.4(CILP):c.1941C>T (p.Asp647=)

Gene: CILP (cartilage intermediate layer protein; minus strand). Cytogenetic location: 15q22.31.
Variant type: single nucleotide variant.
Coding change: c.1941C>T on transcript NM_003613.4 (MANE Select); coding-DNA position 1941, C replaced by T.
Protein change: p.Asp647=; no amino-acid change (aspartic acid 647 retained).
Molecular consequence: synonymous variant.
Genome position (GRCh38, 1-based): chr15:65,198,345, G>A on the plus strand (C>T on the coding strand, the complement: CILP is on the minus strand). VCF-style: chr15-65198345-G-A. GRCh37 (hg19) VCF-style: chr15-65490683-G-A.
Identifiers: ClinVar variation 3033239 (VCV003033239.2), dbSNP rs199911017, ClinGen allele CA7615409.